The following is an entry in ClinVar:

ClinVar aggregate classification (germline): Pathogenic. Review status: criteria provided, multiple submitters, no conflicts (2 of 4 stars). 2 submissions from 2 submitters: Pathogenic (2). Last evaluated 2025-04-10.

Conditions:
Exostoses, multiple, type 2 (EXT2). Also called: Hereditary Multiple Osteochondromatosis, Type II; EXOSTOSES, MULTIPLE, TYPE II. Identifiers: Orphanet 321, MedGen C1851413, MONDO:0007586, OMIM 133701.
EXT2-related disorders.

Submissions (2):

Labcorp Genetics (formerly Invitae), Labcorp
Classification: Pathogenic for Exostoses, multiple, type 2. Last evaluated: 2025-04-10. Review status: criteria provided, single submitter. Criteria: Invitae Variant Classification Sherloc (09022015). Collection method: clinical testing. Allele origin: germline.
Comment: This sequence change affects a donor splice site in intron 3 of the EXT2 gene. It is expected to disrupt RNA splicing. Variants that disrupt the donor or acceptor splice site typically lead to a loss of protein function (PMID: 16199547), and loss-of-function variants in EXT2 are known to be pathogenic (PMID: 10679937, 19810120). This variant is not present in population databases (gnomAD no frequency). Disruption of this splice site has been observed in individual(s) with multiple osteochondromas (PMID: 17041877; internal data). Algorithms developed to predict the effect of sequence changes on RNA splicing suggest that this variant may disrupt the consensus splice site. For these reasons, this variant has been classified as Pathogenic.

Blueprint Genetics
Classification: Pathogenic for EXT2-related disorders. Last evaluated: 2020-02-03. Review status: criteria provided, single submitter. Criteria: ACMG Guidelines, 2015. Collection method: clinical testing. Allele origin: germline. Affected: yes. Observed: 2 variant alleles.

Literature cited by the submitters: PubMed 16199547 (cited by Labcorp Genetics (formerly Invitae), Labcorp); PubMed 10679937 (cited by Labcorp Genetics (formerly Invitae), Labcorp); PubMed 19810120 (cited by Labcorp Genetics (formerly Invitae), Labcorp); PubMed 17041877 (cited by Labcorp Genetics (formerly Invitae), Labcorp).

NM_207122.2(EXT2):c.626+1G>C

Gene: EXT2 (exostosin glycosyltransferase 2; plus strand). Cytogenetic location: 11p11.2.
Variant type: single nucleotide variant.
Coding change: c.626+1G>C on transcript NM_207122.2 (MANE Select); the canonical splice donor site of the intron after coding-DNA position 626, G replaced by C.
Molecular consequence: splice donor variant.
Genome position (GRCh38, 1-based): chr11:44,109,284, G>C. VCF-style: chr11-44109284-G-C. GRCh37 (hg19) VCF-style: chr11-44130834-G-C.
Other names: c.626+1G>C (NM_001389630.1, NM_001178083.3, NM_001389628.1); c.725+1G>C (NM_000401.3).
Identifiers: ClinVar variation 4709820 (VCV004709820.2).